The following is an entry in ClinVar:

NM_001065.4(TNFRSF1A):c.1004C>A (p.Pro335His)

Gene: TNFRSF1A (TNF receptor superfamily member 1A; minus strand). Cytogenetic location: 12p13.31.
Variant type: single nucleotide variant.
Coding change: c.1004C>A on transcript NM_001065.4 (MANE Select); coding-DNA position 1004, C replaced by A.
Protein change: p.Pro335His; replaces proline 335 with histidine.
Molecular consequence: missense variant. On other transcripts: non-coding transcript variant (1).
Genome position (GRCh38, 1-based): chr12:6,329,831, G>T on the plus strand (C>A on the coding strand, the complement: TNFRSF1A is on the minus strand). VCF-style: chr12-6329831-G-T. GRCh37 (hg19) VCF-style: chr12-6438997-G-T.
Other names: c.680C>A, p.Pro227His (NM_001346091.2); c.545C>A, p.Pro182His (NM_001346092.2); short protein forms P182H, P227H, P335H.
Identifiers: ClinVar variation 837685 (VCV000837685.9), dbSNP rs150408610, ClinGen allele CA6405310.

ClinVar aggregate classification (germline): Uncertain significance (1 of 4 stars; one submission).

Conditions:
TNF receptor-associated periodic fever syndrome (TRAPS) (FPF). Also called: TNF RECEPTOR-ASSOCIATED PERIODIC SYNDROME; TUMOR NECROSIS FACTOR RECEPTOR-ASSOCIATED PERIODIC SYNDROME; FAMILIAL HIBERNIAN FEVER; TNF receptor 1-associated periodic fever syndrome; TNF Receptor-Associated Periodic Fever Syndrome; Autosomal Dominant Familial Periodic Fever. Identifiers: Orphanet 32960, MedGen C1275126, MONDO:0007727, OMIM 142680.

Allele frequency attached by ClinVar (database versions not stated): ExAC 0.00002; ESP Exome Variant Server 0.00008.
gnomAD v4.1: 7 of 1,605,170 alleles (0.00044%); highest among the groups gnomAD compares: African/African-American, 0.0067%; no homozygotes.

Submission:

Labcorp Genetics (formerly Invitae), Labcorp
Classification: Uncertain significance for TNF receptor-associated periodic fever syndrome (TRAPS). Last evaluated: 2019-02-17. Review status: criteria provided, single submitter. Criteria: Invitae Variant Classification Sherloc (09022015). Collection method: clinical testing. Allele origin: germline.
Comment: In summary, the available evidence is currently insufficient to determine the role of this variant in disease. Therefore, it has been classified as a Variant of Uncertain Significance. Algorithms developed to predict the effect of missense changes on protein structure and function (SIFT, PolyPhen-2, Align-GVGD) all suggest that this variant is likely to be tolerated, but these predictions have not been confirmed by published functional studies and their clinical significance is uncertain. This variant has not been reported in the literature in individuals with TNFRSF1A-related conditions. This variant is present in population databases (rs150408610, ExAC 0.02%). This sequence change replaces proline with histidine at codon 335 of the TNFRSF1A protein (p.Pro335His). The proline residue is moderately conserved and there is a moderate physicochemical difference between proline and histidine.